The following is an entry in ClinVar:

ClinVar aggregate classification (germline): Uncertain significance (1 of 4 stars; one submission).

Conditions:
Tuberous sclerosis 2 (TSC2). Identifiers: Orphanet 805, MedGen C1860707, MONDO:0013199, OMIM 613254.

Submission:

Labcorp Genetics (formerly Invitae), Labcorp
Classification: Uncertain significance for Tuberous sclerosis 2. Last evaluated: 2019-03-13. Review status: criteria provided, single submitter. Criteria: Invitae Variant Classification Sherloc (09022015). Collection method: clinical testing. Allele origin: germline.
Comment: In summary, the available evidence is currently insufficient to determine the role of this variant in disease. Therefore, it has been classified as a Variant of Uncertain Significance. Algorithms developed to predict the effect of missense changes on protein structure and function are either unavailable or do not agree on the potential impact of this missense change (SIFT: "Deleterious"; PolyPhen-2: "Probably Damaging"; Align-GVGD: "Class C0"). This variant has not been reported in the literature in individuals with TSC2-related conditions. This variant is not present in population databases (ExAC no frequency). This sequence change replaces leucine with phenylalanine at codon 353 of the TSC2 protein (p.Leu353Phe). The leucine residue is highly conserved and there is a small physicochemical difference between leucine and phenylalanine.

NM_000548.5(TSC2):c.1057C>T (p.Leu353Phe)

Gene: TSC2 (TSC complex subunit 2; plus strand). Cytogenetic location: 16p13.3.
Variant type: single nucleotide variant.
Coding change: c.1057C>T on transcript NM_000548.5 (MANE Select); coding-DNA position 1057, C replaced by T.
Protein change: p.Leu353Phe; replaces leucine 353 with phenylalanine.
Molecular consequence: missense variant.
Genome position (GRCh38, 1-based): chr16:2,060,751, C>T. VCF-style: chr16-2060751-C-T. GRCh37 (hg19) VCF-style: chr16-2110752-C-T.
Other names: c.1057C>T, p.Leu353Phe (NM_001077183.3, NM_001114382.3, NM_001363528.2 and 3 more transcripts); c.946C>T, p.Leu316Phe (NM_001318827.2); c.910C>T, p.Leu304Phe (NM_001318829.2); c.457C>T, p.Leu153Phe (NM_001318831.2); c.1090C>T, p.Leu364Phe (NM_001318832.2); short protein forms L153F, L316F, L353F, L304F, L364F.
Identifiers: ClinVar variation 835104 (VCV000835104.9), dbSNP rs902767624, ClinGen allele CA394317879.